The following is an entry in ClinVar:

NM_004036.5(ADCY3):c.2392G>A (p.Val798Ile)

Gene: ADCY3 (adenylate cyclase 3; minus strand). Cytogenetic location: 2p23.3.
Variant type: single nucleotide variant.
Coding change: c.2392G>A on transcript NM_004036.5 (MANE Select); coding-DNA position 2392, G replaced by A.
Protein change: p.Val798Ile; replaces valine 798 with isoleucine.
Molecular consequence: missense variant. On other transcripts: intron variant (1).
Genome position (GRCh38, 1-based): chr2:24,827,942, C>T on the plus strand (G>A on the coding strand, the complement: ADCY3 is on the minus strand). VCF-style: chr2-24827942-C-T. GRCh37 (hg19) VCF-style: chr2-25050811-C-T.
Other names: c.2392G>A, p.Val798Ile (NM_001320613.2, NM_001377132.1); c.2458G>A, p.Val820Ile (NM_001377128.1); c.2254G>A, p.Val752Ile (NM_001377129.1); c.1669G>A, p.Val557Ile (NM_001377131.1); c.2172+2767G>A (NM_001377130.1); c.2392G>A (NM_004036.3); short protein forms V557I, V752I, V798I, V820I.
Identifiers: ClinVar variation 2634282 (VCV002634282.3), dbSNP rs369803323, ClinGen allele CA1553789.

ClinVar aggregate classification (germline): Conflicting classifications of pathogenicity. Review status: criteria provided, conflicting classifications (1 of 4 stars). 2 submissions from 2 submitters: Uncertain significance (1); Likely benign (1). Last evaluated 2026-09-14.

Conditions:
Inborn genetic diseases. Identifiers: MedGen C0950123, MeSH D030342.
ADCY3-related disorder. Also called: ADCY3-related condition.

Allele frequency attached by ClinVar (database versions not stated): ExAC 0.00002; gnomAD exomes 0.00005; TOPMed 0.00005; ESP Exome Variant Server 0.00008; gnomAD 0.00008.
gnomAD v4.1: 89 of 1,614,094 alleles (0.0055%); highest among the groups gnomAD compares: Non-Finnish European, 0.0064%; no homozygotes.

Submissions (2):

PreventionGenetics, part of Exact Sciences
Classification: Uncertain significance for ADCY3-related condition. Last evaluated: 2026-09-14. Review status: criteria provided, single submitter. Criteria: ACMG Guidelines, 2015. Collection method: clinical testing. Allele origin: germline.
Comment: The ADCY3 c.2392G>A variant is predicted to result in the amino acid substitution p.Val798Ile. To our knowledge, this variant has not been reported in the literature. This variant is reported in 0.0046% of alleles in individuals of European (non-Finnish) descent in gnomAD. At this time, the clinical significance of this variant is uncertain due to the absence of conclusive functional and genetic evidence.

Ambry Genetics
Classification: Likely benign for Inborn genetic diseases. Last evaluated: 2024-01-29. Review status: criteria provided, single submitter. Criteria: Ambry Variant Classification Scheme 2023. Collection method: clinical testing. Allele origin: germline.